The following is an entry in ClinVar:

NM_001377.3(DYNC2H1):c.5356G>T (p.Gly1786Ter)

Gene: DYNC2H1 (dynein cytoplasmic 2 heavy chain 1; plus strand). Cytogenetic location: 11q22.3.
Variant type: single nucleotide variant.
Coding change: c.5356G>T on transcript NM_001377.3 (MANE Select); coding-DNA position 5356, G replaced by T.
Protein change: p.Gly1786Ter; replaces glycine 1786 with a stop codon.
Molecular consequence: nonsense.
Genome position (GRCh38, 1-based): chr11:103,173,103, G>T. VCF-style: chr11-103173103-G-T. GRCh37 (hg19) VCF-style: chr11-103043832-G-T.
Other names: c.5356G>T, p.Gly1786Ter (NM_001080463.2); short protein forms G1786*.
Identifiers: ClinVar variation 5015253 (VCV005015253.1).

ClinVar aggregate classification (germline): Pathogenic (1 of 4 stars; one submission).

Conditions:
Asphyxiating thoracic dystrophy 3. Also called: SHORT-RIB THORACIC DYSPLASIA 3 WITH OR WITHOUT POLYDACTYLY; POLYDACTYLY WITH NEONATAL CHONDRODYSTROPHY, TYPE I; SHORT-RIB THORACIC DYSPLASIA 3/6 WITH POLYDACTYLY, DIGENIC; Short rib polydactyly syndrome 2B; Saldino-Noonan Syndrome. Identifiers: Orphanet 474, Orphanet 93269, Orphanet 93270, Orphanet 93271, MedGen C0036069, MONDO:0013127, OMIM 613091.

Submission:

Myriad Genetics, Inc.
Classification: Pathogenic for Asphyxiating thoracic dystrophy 3. Last evaluated: 2025-11-22. Review status: criteria provided, single submitter. Criteria: Myriad Autosomal Dominant, Autosomal Recessive and X-Linked Classification Criteria (2023). Collection method: clinical testing. Allele origin: unknown.
Comment: NM_001377.2(DYNC2H1):c.5356G>T(G1786*) is expected to be pathogenic in the context of DYNC2H1-related disorders. This variant is predicted to lead to an abnormal or absent protein product due to the creation of a premature termination codon in DYNC2H1, a gene where loss-of-function variants are known to be pathogenic. Please note: this variant was assessed in the context of healthy population screening.